The following is an entry in ClinVar:

NM_021076.4(NEFH):c.2288C>T (p.Ser763Phe)

Gene: NEFH (neurofilament heavy chain; plus strand). Cytogenetic location: 22q12.2.
Variant type: single nucleotide variant.
Coding change: c.2288C>T on transcript NM_021076.4 (MANE Select); coding-DNA position 2288, C replaced by T.
Protein change: p.Ser763Phe; replaces serine 763 with phenylalanine.
Molecular consequence: missense variant.
Genome position (GRCh38, 1-based): chr22:29,489,928, C>T. VCF-style: chr22-29489928-C-T. GRCh37 (hg19) VCF-style: chr22-29885917-C-T.
Other names: short protein forms S763F.
Identifiers: ClinVar variation 1403385 (VCV001403385.6), dbSNP rs1264276895, ClinGen allele CA411136776.

ClinVar aggregate classification (germline): Uncertain significance (1 of 4 stars; one submission).

gnomAD v4.1: 15 of 1,612,924 alleles (0.00093%); highest among the groups gnomAD compares: East Asian, 0.033%; 1 homozygote.

Submission:

Labcorp Genetics (formerly Invitae), Labcorp
Classification: Uncertain significance. Last evaluated: 2022-07-05. Review status: criteria provided, single submitter. Criteria: Invitae Variant Classification Sherloc (09022015). Collection method: clinical testing. Allele origin: germline.
Comment: In summary, the available evidence is currently insufficient to determine the role of this variant in disease. Therefore, it has been classified as a Variant of Uncertain Significance. Advanced modeling of protein sequence and biophysical properties (such as structural, functional, and spatial information, amino acid conservation, physicochemical variation, residue mobility, and thermodynamic stability) performed at Invitae indicates that this missense variant is not expected to disrupt NEFH protein function. ClinVar contains an entry for this variant (Variation ID: 1403385). This variant has not been reported in the literature in individuals affected with NEFH-related conditions. This variant is not present in population databases (gnomAD no frequency). This sequence change replaces serine, which is neutral and polar, with phenylalanine, which is neutral and non-polar, at codon 763 of the NEFH protein (p.Ser763Phe).